The following is an entry in ClinVar:

ClinVar aggregate classification (germline): Conflicting classifications of pathogenicity. Review status: criteria provided, conflicting classifications (1 of 4 stars). 3 submissions from 3 submitters: Uncertain significance (1); Likely benign (1). 1 of the submissions does not count toward it. Last evaluated 2025-12-20.

Conditions:
COL6A2-related disorder.
Bethlem myopathy 1A. Also called: Bethlem myopathy 1; MYOPATHY, BENIGN CONGENITAL, WITH CONTRACTURES; Bethlem Muscular Dystrophy. Identifiers: Orphanet 610, MedGen CN029274, MONDO:0024530, OMIM 158810.

Allele frequency attached by ClinVar (database versions not stated): gnomAD 0.00005 and 0.00007; ESP Exome Variant Server 0.00008; TOPMed 0.00009; ExAC 0.00010; gnomAD exomes 0.00012; 1000 Genomes Project 30x 0.00016; 1000 Genomes Project 0.00020.
gnomAD v4.1: 177 of 1,609,324 alleles (0.011%); highest among the groups gnomAD compares: East Asian, 0.042%; no homozygotes.

Submissions (3):

Labcorp Genetics (formerly Invitae), Labcorp
Classification: Likely benign for Bethlem myopathy 1A. Last evaluated: 2025-12-20. Review status: criteria provided, single submitter. Criteria: Invitae Variant Classification Sherloc (09022015). Collection method: clinical testing. Allele origin: germline.

Eurofins Ntd Llc (ga)
Classification: Uncertain significance. Last evaluated: 2016-12-04. Review status: criteria provided, single submitter. Criteria: EGL Classification Definitions 2015. Collection method: clinical testing. Allele origin: germline. Observed: 4 variant alleles, 4 heterozygotes.

PreventionGenetics, part of Exact Sciences
Classification: Likely benign for COL6A2-related condition. Last evaluated: 2024-07-03. Review status: no assertion criteria provided. Collection method: clinical testing. Allele origin: germline. Not counted in ClinVar's aggregate classification.
Comment: This variant is classified as likely benign based on ACMG/AMP sequence variant interpretation guidelines (Richards et al. 2015 PMID: 25741868, with internal and published modifications).

NM_001849.4(COL6A2):c.2904C>T (p.Asn968=)

Gene: COL6A2 (collagen type VI alpha 2 chain; plus strand). Cytogenetic location: 21q22.3.
Variant type: single nucleotide variant.
Coding change: c.2904C>T on transcript NM_001849.4 (MANE Select); coding-DNA position 2904, C replaced by T.
Protein change: p.Asn968=; no amino-acid change (asparagine 968 retained).
Molecular consequence: synonymous variant.
Genome position (GRCh38, 1-based): chr21:46,132,396, C>T. VCF-style: chr21-46132396-C-T. GRCh37 (hg19) VCF-style: chr21-47552310-C-T.
Identifiers: ClinVar variation 285128 (VCV000285128.16), dbSNP rs143569686, ClinGen allele CA10073086.
Genomic context (GRCh38, chr21:46,132,396, plus strand): 5'-GGACGGCGTCACGGGCAACGACAGTCTGCACGAGTCGGCGCACTCCATGCGCAAGCAGAA[C>T]GTGGTACCCACCGTGCTGGCCTTGGGCAGCGACGTGGACATGGACGTGCTCACCACGCTC-3'
Protein context (NP_001840.3, residues 958-978): HESAHSMRKQ[Asn968=]VVPTVLALGS